The following is an entry in ClinVar:

ClinVar aggregate classification (germline): Uncertain significance. Review status: criteria provided, multiple submitters, no conflicts (2 of 4 stars). 2 submissions from 2 submitters: Uncertain significance (2). Last evaluated 2023-06-07.

Conditions:
Hemorrhage. Identifiers: MedGen C0019080, MeSH D006470.

Allele frequency attached by ClinVar (database versions not stated): gnomAD exomes 0.00001; ExAC 0.00002.
gnomAD v4.1: 10 of 1,614,224 alleles (0.00062%); highest among the groups gnomAD compares: Non-Finnish European, 0.00076%; no homozygotes.

Submissions (2):

Ambry Genetics
Classification: Uncertain significance. Last evaluated: 2023-06-07. Review status: criteria provided, single submitter. Criteria: Ambry Variant Classification Scheme 2023. Collection method: clinical testing. Allele origin: germline.

ISTH-SSC Genomics in Thrombosis and Hemostasis, KU Leuven, Center for Molecular and Vascular Biology
Classification: Uncertain significance for Hemorrhage. Review status: criteria provided, single submitter. Criteria: ACMG Guidelines, 2015. Collection method: clinical testing. Allele origin: germline. Affected: yes. Observed: 1 heterozygote.
Comment: Submitted to the GoldVariant database by Dr Marie-Christine Morel-Kopp; Northern Blood Research Centre, Sydney, Australia

NM_000962.4(PTGS1):c.719A>C (p.Gln240Pro)

Gene: PTGS1 (prostaglandin-endoperoxide synthase 1; plus strand). Cytogenetic location: 9q33.2.
Variant type: single nucleotide variant.
Coding change: c.719A>C on transcript NM_000962.4 (MANE Select); coding-DNA position 719, A replaced by C.
Protein change: p.Gln240Pro; replaces glutamine 240 with proline.
Molecular consequence: missense variant.
Genome position (GRCh38, 1-based): chr9:122,381,704, A>C. VCF-style: chr9-122381704-A-C. GRCh37 (hg19) VCF-style: chr9-125143983-A-C.
Other names: c.575A>C, p.Gln192Pro (NM_001271164.2); c.392A>C, p.Gln131Pro (NM_001271165.2, NM_001271166.2, NM_001271367.2); c.644A>C, p.Gln215Pro (NM_001271368.2); c.719A>C, p.Gln240Pro (NM_080591.3); short protein forms Q131P, Q192P, Q215P, Q240P.
Identifiers: ClinVar variation 2558323 (VCV002558323.3), dbSNP rs201831027, ClinGen allele CA5224892.